The following is an entry in ClinVar:

NM_052947.4(ALPK2):c.3362G>A (p.Ser1121Asn)

Gene: ALPK2 (alpha kinase 2; minus strand). Cytogenetic location: 18q21.31.
Variant type: single nucleotide variant.
Coding change: c.3362G>A on transcript NM_052947.4 (MANE Select); coding-DNA position 3362, G replaced by A.
Protein change: p.Ser1121Asn; replaces serine 1121 with asparagine.
Molecular consequence: missense variant.
Genome position (GRCh38, 1-based): chr18:58,536,825, C>T on the plus strand (G>A on the coding strand, the complement: ALPK2 is on the minus strand). VCF-style: chr18-58536825-C-T. GRCh37 (hg19) VCF-style: chr18-56204057-C-T.
Other names: short protein forms S1121N.
Identifiers: ClinVar variation 1730629 (VCV001730629.3), dbSNP rs2518876560, ClinGen allele CA402568539.

ClinVar aggregate classification (germline): Uncertain significance (1 of 4 stars; one submission).

Allele frequency attached by ClinVar (database versions not stated): gnomAD exomes below 0.00001.
gnomAD v4.1: 1 of 1,614,160 alleles (0.000062%); highest among the groups gnomAD compares: Non-Finnish European, 0.000085%; no homozygotes.

Submission:

Ambry Genetics
Classification: Uncertain significance. Last evaluated: 2024-07-03. Review status: criteria provided, single submitter. Criteria: Ambry Variant Classification Scheme 2023. Collection method: clinical testing. Allele origin: germline.
Comment: The p.S1121N variant (also known as c.3362G>A), located in coding exon 4 of the ALPK2 gene, results from a G to A substitution at nucleotide position 3362. The serine at codon 1121 is replaced by asparagine, an amino acid with highly similar properties. This amino acid position is conserved. In addition, this alteration is predicted to be tolerated by in silico analysis. Since supporting evidence is limited at this time, the clinical significance of this alteration remains unclear.